The following is an entry in ClinVar:

NM_024426.6(WT1):c.240C>G (p.Asp80Glu)

Genes: WT1 (WT1 transcription factor; minus strand), LOC107982234 (WT1/WT1-AS bi-directional promoter region; plus strand). Cytogenetic location: 11p13.
Variant type: single nucleotide variant.
Coding change: c.240C>G on transcript NM_024426.6 (MANE Select); coding-DNA position 240, C replaced by G.
Protein change: p.Asp80Glu; replaces aspartic acid 80 with glutamic acid.
Molecular consequence: missense variant. On other transcripts: non-coding transcript variant (1).
Genome position (GRCh38, 1-based): chr11:32,435,121, G>C on the plus strand (C>G on the coding strand, the complement: WT1 is on the minus strand). VCF-style: chr11-32435121-G-C. GRCh37 (hg19) VCF-style: chr11-32456667-G-C.
Other names: c.225C>G (NM_024426.4); c.240C>G, p.Asp80Glu (NM_000378.6, NM_024424.5); short protein forms D80E.
Identifiers: ClinVar variation 1448791 (VCV001448791.11), dbSNP rs2133105820, ClinGen allele CA379966088.
Genomic context (GRCh38, chr11:32,435,121, plus strand): 5'-AGGCAGGGCACAGCCGCCGCCGCCACCCAGGGAGGGGACGGCGGGCAGCAGCGCGTTCAG[G>C]TCCCGCACGTCGGAGCCCATTTGCTGCGGCTCAGACCCGGACGCCCCGCGGCTCCTCCGG-3'
Protein context (NP_077744.4, residues 70-90): EPQQMGSDVR[Asp80Glu]LNALLPAVPS

ClinVar aggregate classification (germline): Uncertain significance. Review status: criteria provided, multiple submitters, no conflicts (2 of 4 stars). 4 submissions from 4 submitters: Uncertain significance (4). Last evaluated 2024-11-20.

Conditions:
Inborn genetic diseases. Identifiers: MedGen C0950123, MeSH D030342.
Wilms tumor 1 (WT1). Also called: Wilms tumor, somatic. Identifiers: Orphanet 654, MedGen CN033288, MONDO:0008679, OMIM 194070.
Drash syndrome (DDS). Also called: NEPHROPATHY, WILMS TUMOR, AND GENITAL ANOMALIES; WILMS TUMOR AND PSEUDO- OR TRUE HERMAPHRODITISM. Identifiers: Orphanet 220, MedGen C0950121, MONDO:0008682, OMIM 194080.
Frasier syndrome. Identifiers: Orphanet 347, MedGen C0950122, MeSH D052159, MONDO:0007635, OMIM 136680.
11p partial monosomy syndrome (WAGR). Also called: WAGR Complex; WAGR syndrome; CHROMOSOME 11p13 DELETION SYNDROME; WAGR Spectrum Disorder. Identifiers: Orphanet 893, MedGen C0206115, MONDO:0008681, OMIM 194072.

Allele frequency attached by ClinVar (database versions not stated): gnomAD exomes 0.00001.
gnomAD v4.1: 9 of 1,515,450 alleles (0.00059%); highest among the groups gnomAD compares: Non-Finnish European, 0.0007%; no homozygotes.

Submissions (4):

Ambry Genetics
Classification: Uncertain significance for Inborn genetic diseases. Last evaluated: 2024-11-20. Review status: criteria provided, single submitter. Criteria: Ambry Variant Classification Scheme 2023. Collection method: clinical testing. Allele origin: germline.
Comment: The p.D75E variant (also known as c.225C>G), located in coding exon 1 of the WT1 gene, results from a C to G substitution at nucleotide position 225. The aspartic acid at codon 75 is replaced by glutamic acid, an amino acid with highly similar properties. This amino acid position is conserved. In addition, the in silico prediction for this alteration is inconclusive. Based on the available evidence, the clinical significance of this variant remains unclear.

Labcorp Genetics (formerly Invitae), Labcorp
Classification: Uncertain significance for Wilms tumor 1; Drash syndrome; 11p partial monosomy syndrome; Frasier syndrome. Last evaluated: 2024-04-10. Review status: criteria provided, single submitter. Criteria: Invitae Variant Classification Sherloc (09022015). Collection method: clinical testing. Allele origin: germline.
Comment: This sequence change replaces aspartic acid, which is acidic and polar, with glutamic acid, which is acidic and polar, at codon 75 of the WT1 protein (p.Asp75Glu). This variant is not present in population databases (gnomAD no frequency). This variant has not been reported in the literature in individuals affected with WT1-related conditions. ClinVar contains an entry for this variant (Variation ID: 1448791). An algorithm developed to predict the effect of missense changes on protein structure and function (PolyPhen-2) suggests that this variant is likely to be disruptive. In summary, the available evidence is currently insufficient to determine the role of this variant in disease. Therefore, it has been classified as a Variant of Uncertain Significance.

All of Us Research Program, National Institutes of Health
Classification: Uncertain significance for Wilms tumor 1. Last evaluated: 2023-08-15. Review status: criteria provided, single submitter. Criteria: ACMG Guidelines, 2015. Collection method: clinical testing. Allele origin: germline. Inheritance: Autosomal dominant inheritance. Observed: 1 variant allele, 1 heterozygote.
Comment: This missense variant replaces aspartic acid with glutamic acid at codon 75 of the WT1 protein. Computational prediction suggests that this variant may not impact protein structure and function (internally defined REVEL score threshold <= 0.5, PMID: 27666373). To our knowledge, functional studies have not been reported for this variant. This variant has not been reported in individuals affected with WT1-related disorders in the literature. This variant has not been identified in the general population by the Genome Aggregation Database (gnomAD). The available evidence is insufficient to determine the role of this variant in disease conclusively. Therefore, this variant is classified as a Variant of Uncertain Significance.

This study involves interpretation of variants in research participants for the purpose of population health screening. Participant phenotype was not available at the time of variant classification. Additional details can be found in publication PMID: 35346344, PMCID: PMC8962531

Baylor Genetics
Classification: Uncertain significance for Drash syndrome. Last evaluated: 2023-05-05. Review status: criteria provided, single submitter. Criteria: ACMG Guidelines, 2015. Collection method: clinical testing. Allele origin: unknown.